The following is an entry in ClinVar:

NM_201548.5(CERKL):c.1134_1144delinsATCACCA (p.Arg379fs)

Gene: CERKL (CERK like autophagy regulator; minus strand). Cytogenetic location: 2q31.3.
Variant type: Indel.
Coding change: c.1134_1144delinsATCACCA on transcript NM_201548.5 (MANE Select); coding-DNA positions 1134 to 1144, GAGGGCACAGG replaced by ATCACCA.
Protein change: p.Arg379fs; shifts the reading frame from arginine 379.
Molecular consequence: frameshift variant. On other transcripts: non-coding transcript variant (2).
Genome position (GRCh38, 1-based): chr2:181,547,837-181,547,847, CCTGTGCCCTC replaced by TGGTGAT on the plus strand (GAGGGCACAGG replaced by ATCACCA on the coding strand, the reverse complement: CERKL is on the minus strand). VCF-style: chr2-181547837-CCTGTGCCCTC-TGGTGAT. GRCh37 (hg19) VCF-style: chr2-182412564-CCTGTGCCCTC-TGGTGAT.
Other names: c.1212_1222delinsATCACCA, p.Arg405fs (NM_001030311.3); c.795_805delinsATCACCA, p.Arg266fs (NM_001030312.3); c.927_937delinsATCACCA, p.Arg310fs (NM_001030313.3); c.*416_*426delGAGGGCACAGGinsATCACCA (NM_001030314.1, NM_001030315.1); c.1080_1090delinsATCACCA, p.Arg361fs (NM_001160277.2); short protein forms R361fs, R379fs, R405fs, R310fs, R266fs.
Identifiers: ClinVar variation 2699806 (VCV002699806.3), dbSNP rs2468292203, ClinGen allele CA2697551426.

ClinVar aggregate classification (germline): Pathogenic (1 of 4 stars; one submission).

Submission:

Labcorp Genetics (formerly Invitae), Labcorp
Classification: Pathogenic. Last evaluated: 2023-11-29. Review status: criteria provided, single submitter. Criteria: Invitae Variant Classification Sherloc (09022015). Collection method: clinical testing. Allele origin: germline.
Comment: This sequence change creates a premature translational stop signal (p.Arg405Serfs*15) in the CERKL gene. It is expected to result in an absent or disrupted protein product. Loss-of-function variants in CERKL are known to be pathogenic (PMID: 14681825, 23591405, 24043777). This variant is not present in population databases (gnomAD no frequency). This variant has not been reported in the literature in individuals affected with CERKL-related conditions. For these reasons, this variant has been classified as Pathogenic.

Literature cited by the submitters: PubMed 14681825; PubMed 23591405; PubMed 24043777.